The following is an entry in ClinVar:

NM_080605.4(B3GALT6):c.97G>A (p.Ala33Thr)

Gene: B3GALT6 (beta-1,3-galactosyltransferase 6; plus strand). Cytogenetic location: 1p36.33.
Variant type: single nucleotide variant.
Coding change: c.97G>A on transcript NM_080605.4 (MANE Select); coding-DNA position 97, G replaced by A.
Protein change: p.Ala33Thr; replaces alanine 33 with threonine.
Molecular consequence: missense variant.
Genome position (GRCh38, 1-based): chr1:1,232,375, G>A. VCF-style: chr1-1232375-G-A. GRCh37 (hg19) VCF-style: chr1-1167755-G-A.
Other names: short protein forms A33T.
Identifiers: ClinVar variation 4982702 (VCV004982702.1).
Genomic context (GRCh38, chr1:1,232,375, plus strand): 5'-GCGCTAGGCCTGGGCACGCTGGCGCTGTGCGGGGCGGCGCTGCTCTACCTGGCGCGCTGC[G>A]CGGCCGAGCCCGGGGACCCCAGGGCGATGTCGGGCCGCAGCCCGCCTCCCCCCGCGCCCG-3'
Protein context (NP_542172.2, residues 23-43): GAALLYLARC[Ala33Thr]AEPGDPRAMS

ClinVar aggregate classification (germline): Uncertain significance (1 of 4 stars; one submission).

Conditions:
B3GALT6-related disorder. Also called: B3GALT6-related condition.

Submission:

PreventionGenetics, part of Exact Sciences
Classification: Uncertain significance for B3GALT6-related condition. Last evaluated: 2025-12-18. Review status: criteria provided, single submitter. Criteria: ACMG Guidelines, 2015. Collection method: clinical testing. Allele origin: germline.
Comment: The B3GALT6 c.97G>A variant is predicted to result in the amino acid substitution p.Ala33Thr. To our knowledge, this variant has not been reported in the literature or in a large population database (gnomAD), indicating this variant is rare. At this time, the clinical significance of this variant is uncertain due to the absence of conclusive functional and genetic evidence.